The following is an entry in ClinVar:

NM_198578.4(LRRK2):c.2463A>G (p.Leu821=)

Gene: LRRK2 (leucine rich repeat kinase 2; plus strand). Cytogenetic location: 12q12.
Variant type: single nucleotide variant.
Coding change: c.2463A>G on transcript NM_198578.4 (MANE Select); coding-DNA position 2463, A replaced by G.
Protein change: p.Leu821=; no amino-acid change (leucine 821 retained).
Molecular consequence: synonymous variant.
Genome position (GRCh38, 1-based): chr12:40,284,096, A>G. VCF-style: chr12-40284096-A-G. GRCh37 (hg19) VCF-style: chr12-40677898-A-G.
Identifiers: ClinVar variation 4875442 (VCV004875442.2).
Genomic context (GRCh38, chr12:40,284,096, plus strand): 5'-TAGCATTTGCCTTGGAGGATTTTGTATAGGAAAAGTTGAACCTTCTTGGCTTGGTCCTTT[A>G]TTTCCAGATAAGACTTCTAATTTAAGGAAACAAACAAGTAAGTAACAAGGAGAATATTTT-3'
Protein context (NP_940980.4, residues 811-831): GKVEPSWLGP[Leu821=]FPDKTSNLRK

ClinVar aggregate classification (germline): Likely benign (1 of 4 stars; one submission).

Submission:

CeGaT Center for Human Genetics Tuebingen
Classification: Likely benign. Last evaluated: 2026-06-01. Review status: criteria provided, single submitter. Criteria: CeGaT Center For Human Genetics Tuebingen Variant Classification Criteria Version 2. Collection method: clinical testing. Allele origin: germline. Affected: yes. Observed: 1 variant allele.
Comment: LRRK2: PM2:Supporting, BP4, BP7